The following is an entry in ClinVar:

NM_000059.4(BRCA2):c.275A>T (p.Gln92Leu)

Gene: BRCA2 (BRCA2 DNA repair associated; plus strand). Cytogenetic location: 13q13.1.
Variant type: single nucleotide variant.
Coding change: c.275A>T on transcript NM_000059.4 (MANE Select); coding-DNA position 275, A replaced by T.
Protein change: p.Gln92Leu; replaces glutamine 92 with leucine.
Molecular consequence: missense variant. On other transcripts: 5 prime UTR variant (1), non-coding transcript variant (1).
Genome position (GRCh38, 1-based): chr13:32,319,284, A>T. VCF-style: chr13-32319284-A-T. GRCh37 (hg19) VCF-style: chr13-32893421-A-T.
Other names: c.275A>T, p.Gln92Leu (NM_001406719.1, NM_001406720.1, NM_001406721.1); c.-95A>T (NM_001406722.1); short protein forms Q92L.
Identifiers: ClinVar variation 3261587 (VCV003261587.1).

ClinVar aggregate classification (germline): Uncertain significance (1 of 4 stars; one submission).

Conditions:
Hereditary cancer-predisposing syndrome. Also called: Hereditary Cancer Syndrome; Tumor predisposition; Hereditary neoplastic syndrome; Neoplastic Syndromes, Hereditary. Identifiers: Orphanet 140162, MedGen C0027672, MeSH D009386, MONDO:0015356.

Submission:

Ambry Genetics
Classification: Uncertain significance for Hereditary cancer-predisposing syndrome. Last evaluated: 2024-04-25. Review status: criteria provided, single submitter. Criteria: Ambry Variant Classification Scheme 2023. Collection method: clinical testing. Allele origin: germline.
Comment: The p.Q92L variant (also known as c.275A>T), located in coding exon 2 of the BRCA2 gene, results from an A to T substitution at nucleotide position 275. The glutamine at codon 92 is replaced by leucine, an amino acid with dissimilar properties. This amino acid position is not well conserved in available vertebrate species. In addition, this alteration is predicted to be tolerated by in silico analysis. Based on the available evidence, the clinical significance of this variant remains unclear.